The following is an entry in ClinVar:

NM_006767.4(LZTR1):c.792-2A>G

Gene: LZTR1 (leucine zipper like post translational regulator 1; plus strand). Cytogenetic location: 22q11.21.
Variant type: single nucleotide variant.
Coding change: c.792-2A>G on transcript NM_006767.4 (MANE Select); the canonical splice acceptor site of the intron before coding-DNA position 792, A replaced by G.
Molecular consequence: splice acceptor variant.
Genome position (GRCh38, 1-based): chr22:20,991,626, A>G. VCF-style: chr22-20991626-A-G. GRCh37 (hg19) VCF-style: chr22-21345915-A-G.
Identifiers: ClinVar variation 1761238 (VCV001761238.5), dbSNP rs1449274241, ClinGen allele CA410781061.

ClinVar aggregate classification (germline): Likely pathogenic. Review status: criteria provided, multiple submitters, no conflicts (2 of 4 stars). 2 submissions from 2 submitters: Likely pathogenic (2). Last evaluated 2026-01-28.

Conditions:
Hereditary cancer-predisposing syndrome. Also called: Neoplastic Syndromes, Hereditary; Tumor predisposition; Hereditary Cancer Syndrome; Hereditary neoplastic syndrome. Identifiers: Orphanet 140162, MedGen C0027672, MeSH D009386, MONDO:0015356.
Cardiovascular phenotype. Identifiers: MedGen CN230736.

gnomAD v4.1: 2 of 1,582,296 alleles (0.00013%); no homozygotes.

Submissions (2):

Labcorp Genetics (formerly Invitae), Labcorp
Classification: Likely pathogenic. Last evaluated: 2026-01-28. Review status: criteria provided, single submitter. Criteria: Invitae Variant Classification Sherloc (09022015). Collection method: clinical testing. Allele origin: germline.
Comment: This sequence change affects an acceptor splice site in intron 8 of the LZTR1 gene. It is expected to disrupt RNA splicing. Variants that disrupt the donor or acceptor splice site typically lead to a loss of protein function (PMID: 16199547), and loss-of-function variants in LZTR1 are known to be pathogenic (PMID: 24362817, 25335493, 25480913, 25795793, 29469822, 30368668, 30442762, 30442766, 30481304, 30859559). The frequency data for this variant in the population databases is considered unreliable, as metrics indicate poor data quality at this position in the gnomAD database. This variant has not been reported in the literature in individuals affected with LZTR1-related conditions. ClinVar contains an entry for this variant (Variation ID: 1761238). Algorithms developed to predict the effect of sequence changes on RNA splicing suggest that this variant may disrupt the consensus splice site. In summary, the currently available evidence indicates that the variant is pathogenic, but additional data are needed to prove that conclusively. Therefore, this variant has been classified as Likely Pathogenic.

Ambry Genetics
Classification: Likely pathogenic for Cardiovascular phenotype; Hereditary cancer-predisposing syndrome. Last evaluated: 2025-06-27. Review status: criteria provided, single submitter. Criteria: Ambry Variant Classification Scheme 2023. Collection method: clinical testing. Allele origin: germline.
Comment: The c.792-2A>G intronic variant results from an A to G substitution two nucleotides upstream from coding exon 9 in the LZTR1 gene. This nucleotide position is highly conserved in available vertebrate species. In silico splice site analysis predicts that this alteration will weaken the native splice acceptor site. RNA studies have demonstrated that this alteration results in abnormal splicing in the set of samples tested (Ambry internal data). Based on the supporting evidence, this variant is likely pathogenic for an increased risk of LZTR1-related schwannomatosis (SWN) and would be expected to cause autosomal recessive Noonan syndrome when present along with a second pathogenic or likely pathogenic variant on the other allele; however, the association of this alteration with autosomal dominant Noonan syndrome is unlikely.

Literature cited by the submitters: PubMed 16199547 (cited by Labcorp Genetics (formerly Invitae), Labcorp); PubMed 24362817 (cited by Labcorp Genetics (formerly Invitae), Labcorp); PubMed 25335493 (cited by Labcorp Genetics (formerly Invitae), Labcorp); PubMed 25480913 (cited by Labcorp Genetics (formerly Invitae), Labcorp); PubMed 25795793 (cited by Labcorp Genetics (formerly Invitae), Labcorp); PubMed 29469822 (cited by Labcorp Genetics (formerly Invitae), Labcorp); PubMed 30368668 (cited by Labcorp Genetics (formerly Invitae), Labcorp); PubMed 30442762 (cited by Labcorp Genetics (formerly Invitae), Labcorp); PubMed 30442766 (cited by Labcorp Genetics (formerly Invitae), Labcorp); PubMed 30481304 (cited by Labcorp Genetics (formerly Invitae), Labcorp); PubMed 30859559 (cited by Labcorp Genetics (formerly Invitae), Labcorp).